The following is an entry in ClinVar:

ClinVar aggregate classification (germline): Uncertain significance. Review status: criteria provided, multiple submitters, no conflicts (2 of 4 stars). 2 submissions from 2 submitters: Uncertain significance (2). Last evaluated 2024-10-24.

Conditions:
CACNA1D-related neurodevelopmental and endocrine disorders.

Submissions (2):

Labcorp Genetics (formerly Invitae), Labcorp
Classification: Uncertain significance. Last evaluated: 2024-10-24. Review status: criteria provided, single submitter. Criteria: Invitae Variant Classification Sherloc (09022015). Collection method: clinical testing. Allele origin: germline.
Comment: This sequence change replaces phenylalanine, which is neutral and non-polar, with serine, which is neutral and polar, at codon 303 of the CACNA1D protein (p.Phe303Ser). This variant is not present in population databases (gnomAD no frequency). This variant has not been reported in the literature in individuals affected with CACNA1D-related conditions. ClinVar contains an entry for this variant (Variation ID: 989279). Invitae Evidence Modeling of protein sequence and biophysical properties (such as structural, functional, and spatial information, amino acid conservation, physicochemical variation, residue mobility, and thermodynamic stability) indicates that this missense variant is not expected to disrupt CACNA1D protein function with a negative predictive value of 80%. In summary, the available evidence is currently insufficient to determine the role of this variant in disease. Therefore, it has been classified as a Variant of Uncertain Significance.

Illumina Laboratory Services, Illumina
Classification: Uncertain significance for CACNA1D-related neurodevelopmental and endocrine disorders. Last evaluated: 2019-05-09. Review status: criteria provided, single submitter. Criteria: ICSLVariantClassificationCriteria RUGD 01 April 2020. Collection method: clinical testing. Allele origin: unknown.
Comment: The CACNA1D c.908T>C (p.Phe303Ser) variant is a missense variant. A literature search was performed for the gene, cDNA change, and amino acid change. No publications were identified through this search. This variant is not found in the Genome Aggregation Database despite its location in a region of good sequencing coverage. It is therefore presumed to be rare. Phe303 is located in the intervening loop between the S5 and S6 transmembrane domains of the first repeat region. Multiple in silico tools predict it to have a deleterious effect, but functional studies have not been conducted to confirm these predictions. Based on the limited evidence available, the Phe303Ser variant is classified as a variant of uncertain significance for CACNA1D-related neurodevelopmental and endocrine disorders.

NM_001128840.3(CACNA1D):c.908T>C (p.Phe303Ser)

Gene: CACNA1D (calcium voltage-gated channel subunit alpha1 D; plus strand). Cytogenetic location: 3p21.1.
Variant type: single nucleotide variant.
Coding change: c.908T>C on transcript NM_001128840.3 (MANE Select); coding-DNA position 908, T replaced by C.
Protein change: p.Phe303Ser; replaces phenylalanine 303 with serine.
Molecular consequence: missense variant.
Genome position (GRCh38, 1-based): chr3:53,665,801, T>C. VCF-style: chr3-53665801-T-C. GRCh37 (hg19) VCF-style: chr3-53699828-T-C.
Other names: c.908T>C, p.Phe303Ser (NM_000720.4, NM_001128839.3); short protein forms F303S.
Identifiers: ClinVar variation 989279 (VCV000989279.6), dbSNP rs2094255562, ClinGen allele CA353383252.